The following is an entry in ClinVar:

NM_006947.4(SRP72):c.1873T>A (p.Ser625Thr)

Gene: SRP72 (signal recognition particle 72; plus strand). Cytogenetic location: 4q12.
Variant type: single nucleotide variant.
Coding change: c.1873T>A on transcript NM_006947.4 (MANE Select); coding-DNA position 1873, T replaced by A.
Protein change: p.Ser625Thr; replaces serine 625 with threonine.
Molecular consequence: missense variant. On other transcripts: non-coding transcript variant (1).
Genome position (GRCh38, 1-based): chr4:56,501,718, T>A. VCF-style: chr4-56501718-T-A. GRCh37 (hg19) VCF-style: chr4-57367884-T-A.
Other names: c.1690T>A, p.Ser564Thr (NM_001267722.2); short protein forms S564T, S625T.
Identifiers: ClinVar variation 3801420 (VCV003801420.1).

ClinVar aggregate classification (germline): Uncertain significance (1 of 4 stars; one submission).

Submission:

Ambry Genetics
Classification: Uncertain significance. Last evaluated: 2024-12-28. Review status: criteria provided, single submitter. Criteria: Ambry Variant Classification Scheme 2023. Collection method: clinical testing. Allele origin: germline.
Comment: The p.S625T variant (also known as c.1873T>A), located in coding exon 19 of the SRP72 gene, results from a T to A substitution at nucleotide position 1873. The serine at codon 625 is replaced by threonine, an amino acid with similar properties. This amino acid position is conserved. In addition, the in silico prediction for this alteration is inconclusive. Based on the available evidence, the clinical significance of this variant remains unclear.